The following is an entry in ClinVar:

ClinVar aggregate classification (germline): Uncertain significance (1 of 4 stars; one submission).

Conditions:
Leukodystrophy, hypomyelinating, 18. Identifiers: MedGen C5193078, MONDO:0032730, OMIM 618404.

gnomAD v4.1: 3 of 1,613,290 alleles (0.00019%); highest among the groups gnomAD compares: East Asian, 0.0022%; no homozygotes.

Submission:

3billion
Classification: Uncertain significance for Leukodystrophy, hypomyelinating, 18. Last evaluated: 2025-09-02. Review status: criteria provided, single submitter. Criteria: ACMG Guidelines, 2015. Collection method: clinical testing. Allele origin: germline. Affected: yes.
Comment: The variant is observed at an extremely low frequency in the gnomAD v4.1.0 dataset (total allele frequency: <0.001%). Predicted Consequence/Location: Missense variant Damaging effect on gene or gene product predicted by in silico programs is uncertain [REVEL: 0.53 (damaging >=0.6, benign <0.4), 3Cnet: 0.56 (damaging >0.75, benign <0.1)]. Therefore, this variant is classified as VUS according to the recommendation of ACMG/AMP guideline.

NM_003676.4(DEGS1):c.851A>G (p.Tyr284Cys)

Gene: DEGS1 (delta 4-desaturase, sphingolipid 1; plus strand). Cytogenetic location: 1q42.11.
Variant type: single nucleotide variant.
Coding change: c.851A>G on transcript NM_003676.4 (MANE Select); coding-DNA position 851, A replaced by G.
Protein change: p.Tyr284Cys; replaces tyrosine 284 with cysteine.
Molecular consequence: missense variant. On other transcripts: 3 prime UTR variant (1).
Genome position (GRCh38, 1-based): chr1:224,192,357, A>G. VCF-style: chr1-224192357-A-G. GRCh37 (hg19) VCF-style: chr1-224380059-A-G.
Other names: c.*49A>G (NM_001321541.2); c.743A>G, p.Tyr248Cys (NM_001321542.2); short protein forms Y248C, Y284C.
Identifiers: ClinVar variation 4855701 (VCV004855701.1).